The following is an entry in ClinVar:

NM_006269.2(RP1):c.5699C>T (p.Thr1900Ile)

Genes: RP1 (RP1 axonemal microtubule associated; plus strand), LOC126860392 (CDK7 strongly-dependent group 2 enhancer GRCh37_chr8:55541319-55542518; plus strand). Cytogenetic location: 8q12.1.
Variant type: single nucleotide variant.
Coding change: c.5699C>T on transcript NM_006269.2 (MANE Select); coding-DNA position 5699, C replaced by T.
Protein change: p.Thr1900Ile; replaces threonine 1900 with isoleucine.
Molecular consequence: missense variant. On other transcripts: intron variant (1).
Genome position (GRCh38, 1-based): chr8:54,629,581, C>T. VCF-style: chr8-54629581-C-T. GRCh37 (hg19) VCF-style: chr8-55542141-C-T.
Other names: c.787+7293C>T (NM_001375654.1); short protein forms T1900I.
Identifiers: ClinVar variation 1486801 (VCV001486801.8), dbSNP rs1295475564, ClinGen allele CA370987648.

ClinVar aggregate classification (germline): Uncertain significance (1 of 4 stars; one submission).

Allele frequency attached by ClinVar (database versions not stated): gnomAD exomes below 0.00001; gnomAD 0.00001.
gnomAD v4.1: 12 of 1,613,878 alleles (0.00074%); highest among the groups gnomAD compares: African/African-American, 0.0013%; no homozygotes.

Submission:

Labcorp Genetics (formerly Invitae), Labcorp
Classification: Uncertain significance. Last evaluated: 2025-12-17. Review status: criteria provided, single submitter. Criteria: Invitae Variant Classification Sherloc (09022015). Collection method: clinical testing. Allele origin: germline.
Comment: This sequence change replaces threonine, which is neutral and polar, with isoleucine, which is neutral and non-polar, at codon 1900 of the RP1 protein (p.Thr1900Ile). This variant is present in population databases (no rsID available, gnomAD 0.004%). This missense change has been observed in individual(s) with clinical features of retinitis pigmentosa (internal data). ClinVar contains an entry for this variant (Variation ID: 1486801). An algorithm developed to predict the effect of missense changes on protein structure and function outputs the following: PolyPhen-2: "Benign". The isoleucine amino acid residue is found in multiple mammalian species, which suggests that this missense change does not adversely affect protein function. In summary, the available evidence is currently insufficient to determine the role of this variant in disease. Therefore, it has been classified as a Variant of Uncertain Significance.